The following is an entry in ClinVar:

NM_000321.3(RB1):c.491A>G (p.Lys164Arg)

Gene: RB1 (RB transcriptional corepressor 1; plus strand). Cytogenetic location: 13q14.2.
Variant type: single nucleotide variant.
Coding change: c.491A>G on transcript NM_000321.3 (MANE Select); coding-DNA position 491, A replaced by G.
Protein change: p.Lys164Arg; replaces lysine 164 with arginine.
Molecular consequence: missense variant.
Genome position (GRCh38, 1-based): chr13:48,345,190, A>G. VCF-style: chr13-48345190-A-G. GRCh37 (hg19) VCF-style: chr13-48919326-A-G.
Other names: c.491A>G, p.Lys164Arg (NM_001407165.1, NM_001407166.1); short protein forms K164R.
Identifiers: ClinVar variation 4543618 (VCV004543618.1).
Genomic context (GRCh38, chr13:48,345,190, plus strand): 5'-TTGATAATGCTATGTCAAGACTGTTGAAGAAGTATGATGTATTGTTTGCACTCTTCAGCA[A>G]ATTGGAAAGGTAAAGTAAACATTTTATTAGGTTTACACTCTGATTTTTTATGTCATTGTT-3'
Protein context (NP_000312.2, residues 154-174): KYDVLFALFS[Lys164Arg]LERTCELIYL

ClinVar aggregate classification (germline): Uncertain significance (1 of 4 stars; one submission).

Conditions:
Hereditary cancer-predisposing syndrome. Also called: Tumor predisposition; Hereditary Cancer Syndrome; Hereditary neoplastic syndrome; Neoplastic Syndromes, Hereditary. Identifiers: Orphanet 140162, MedGen C0027672, MeSH D009386, MONDO:0015356.

Submission:

Ambry Genetics
Classification: Uncertain significance for Hereditary cancer-predisposing syndrome. Last evaluated: 2025-09-17. Review status: criteria provided, single submitter. Criteria: Ambry Variant Classification Scheme 2023. Collection method: clinical testing. Allele origin: germline.
Comment: The p.K164R variant (also known as c.491A>G), located in coding exon 4 of the RB1 gene, results from an A to G substitution at nucleotide position 491. The lysine at codon 164 is replaced by arginine, an amino acid with highly similar properties. This amino acid position is highly conserved in available vertebrate species. In addition, the in silico prediction for this alteration is inconclusive. Based on the available evidence, the clinical significance of this variant remains unclear.